The following is an entry in ClinVar:

ClinVar aggregate classification (germline): Uncertain significance (1 of 4 stars; one submission).

Allele frequency attached by ClinVar (database versions not stated): gnomAD exomes 0.00001; ESP Exome Variant Server 0.00008; ExAC 0.00002; gnomAD 0.00002.
gnomAD v4.1: 18 of 1,614,026 alleles (0.0011%); highest among the groups gnomAD compares: Non-Finnish European, 0.0015%; no homozygotes.

Submission:

Labcorp Genetics (formerly Invitae), Labcorp
Classification: Uncertain significance. Last evaluated: 2025-11-27. Review status: criteria provided, single submitter. Criteria: Invitae Variant Classification Sherloc (09022015). Collection method: clinical testing. Allele origin: germline.
Comment: This sequence change replaces phenylalanine, which is neutral and non-polar, with tyrosine, which is neutral and polar, at codon 278 of the RIPK1 protein (p.Phe278Tyr). The frequency data for this variant in the population databases is considered unreliable, as metrics indicate poor data quality at this position in the gnomAD database. This variant has not been reported in the literature in individuals affected with RIPK1-related conditions. ClinVar contains an entry for this variant (Variation ID: 1971901). An algorithm developed to predict the effect of missense changes on protein structure and function (PolyPhen-2) suggests that this variant is likely to be disruptive. In summary, the available evidence is currently insufficient to determine the role of this variant in disease. Therefore, it has been classified as a Variant of Uncertain Significance.

NM_001354930.2(RIPK1):c.833T>A (p.Phe278Tyr)

Gene: RIPK1 (receptor interacting serine/threonine kinase 1; plus strand). Cytogenetic location: 6p25.2.
Variant type: single nucleotide variant.
Coding change: c.833T>A on transcript NM_001354930.2 (MANE Select); coding-DNA position 833, T replaced by A.
Protein change: p.Phe278Tyr; replaces phenylalanine 278 with tyrosine.
Molecular consequence: missense variant.
Genome position (GRCh38, 1-based): chr6:3,085,403, T>A. VCF-style: chr6-3085403-T-A. GRCh37 (hg19) VCF-style: chr6-3085637-T-A.
Other names: c.344T>A, p.Phe115Tyr (NM_001317061.3, NM_001354932.2, NM_001354933.2 and 1 more transcripts); c.695T>A, p.Phe232Tyr (NM_001354931.2); c.833T>A, p.Phe278Tyr (NM_003804.6); short protein forms F232Y, F115Y, F278Y.
Identifiers: ClinVar variation 1971901 (VCV001971901.5), dbSNP rs369039534, ClinGen allele CA3618294.